The following is an entry in ClinVar:

NM_032638.5(GATA2):c.114G>A (p.Gln38=)

Gene: GATA2 (GATA binding protein 2; minus strand). Cytogenetic location: 3q21.3.
Variant type: single nucleotide variant.
Coding change: c.114G>A on transcript NM_032638.5 (MANE Select); coding-DNA position 114, G replaced by A.
Protein change: p.Gln38=; no amino-acid change (glutamine 38 retained).
Molecular consequence: synonymous variant.
Genome position (GRCh38, 1-based): chr3:128,486,918, C>T on the plus strand (G>A on the coding strand, the complement: GATA2 is on the minus strand). VCF-style: chr3-128486918-C-T. GRCh37 (hg19) VCF-style: chr3-128205761-C-T.
Other names: p.Gln38=; c.114G>A, p.Gln38= (NM_001145661.2, NM_001145662.1).
Identifiers: ClinVar variation 343141 (VCV000343141.23), dbSNP rs775573177, ClinGen allele CA2600101.

ClinVar aggregate classification (germline): Benign/Likely benign. Review status: criteria provided, multiple submitters, no conflicts (2 of 4 stars). 9 submissions from 9 submitters: Benign (5); Likely benign (4). Last evaluated 2026-02-02.

Conditions:
Deafness-lymphedema-leukemia syndrome. Also called: Lymphedema, primary, with myelodysplasia; Emberger syndrome. Identifiers: Orphanet 3226, MedGen C3279664, MONDO:0013540, OMIM 614038.
Monocytopenia with susceptibility to infections. Also called: MONOCYTOPENIA AND MYCOBACTERIAL INFECTION SYNDROME; MONOCYTOPENIA WITH SUSCEPTIBILITY TO MYCOBACTERIAL, FUNGAL, AND PAPILLOMAVIRUS INFECTIONS AND MYELODYSPLASIA; COMBINED IMMUNODEFICIENCY WITH SUSCEPTIBILITY TO MYCOBACTERIAL, VIRAL, AND FUNGAL INFECTIONS; Dendritic cell, monocyte, B lymphocyte, and natural killer lymphocyte deficiency; IMMUNODEFICIENCY 21; GATA2 DEFICIENCY. Identifiers: Orphanet 228423, MedGen C3280030, MONDO:0013607, OMIM 614172.
Hereditary cancer-predisposing syndrome. Also called: Neoplastic Syndromes, Hereditary; Tumor predisposition; Hereditary Cancer Syndrome; Hereditary neoplastic syndrome. Identifiers: Orphanet 140162, MedGen C0027672, MeSH D009386, MONDO:0015356.
Inborn genetic diseases. Identifiers: MedGen C0950123, MeSH D030342.

Allele frequency attached by ClinVar (database versions not stated): gnomAD 0.00007 and 0.00008; TOPMed 0.00034; gnomAD exomes 0.00084; ExAC 0.00095.
gnomAD v4.1: 237 of 1,612,800 alleles (0.015%); highest among the groups gnomAD compares: Admixed American, 0.39%; no homozygotes.

Submissions (9):

Labcorp Genetics (formerly Invitae), Labcorp
Classification: Benign for Monocytopenia with susceptibility to infections; Deafness-lymphedema-leukemia syndrome. Last evaluated: 2026-02-02. Review status: criteria provided, single submitter. Criteria: Invitae Variant Classification Sherloc (09022015). Collection method: clinical testing. Allele origin: germline.

Mayo Clinic Laboratories, Mayo Clinic
Classification: Likely benign. Last evaluated: 2025-10-22. Review status: criteria provided, single submitter. Criteria: ACMG Guidelines, 2015. Collection method: clinical testing. Allele origin: germline. Observed: 2 variant alleles.
Comment: BS1, BP4, BP7

ARUP Laboratories, Molecular Genetics and Genomics, ARUP Laboratories
Classification: Benign. Last evaluated: 2025-03-26. Review status: criteria provided, single submitter. Criteria: ARUP Molecular Germline Variant Investigation Process 2024. Collection method: clinical testing. Allele origin: germline.

Ambry Genetics
Classification: Likely benign for Inborn genetic diseases. Last evaluated: 2024-08-21. Review status: criteria provided, single submitter. Criteria: Ambry Variant Classification Scheme 2023. Collection method: clinical testing. Allele origin: germline.

Blueprint Genetics
Classification: Likely benign. Last evaluated: 2022-10-31. Review status: criteria provided, single submitter. Criteria: ACMG Guidelines, 2015. Collection method: clinical testing. Allele origin: germline.

Sema4
Classification: Likely benign for Hereditary cancer-predisposing syndrome. Last evaluated: 2021-09-09. Review status: criteria provided, single submitter. Criteria: Sema4 Curation Guidelines. Collection method: curation. Allele origin: germline.

Genetic Services Laboratory, University of Chicago
Classification: Benign. Last evaluated: 2018-09-27. Review status: criteria provided, single submitter. Criteria: ACMG Guidelines, 2015. Collection method: clinical testing. Allele origin: germline. Affected: no.

Illumina Laboratory Services, Illumina
Classification: Benign for Deafness-lymphedema-leukemia syndrome. Last evaluated: 2018-01-13. Review status: criteria provided, single submitter. Criteria: ICSL Variant Classification Criteria 13 December 2019. Collection method: clinical testing. Allele origin: germline.
Comment: This variant was observed in the ICSL laboratory as part of a predisposition screen in an ostensibly healthy population. It had not been previously curated by ICSL or reported in the Human Gene Mutation Database (HGMD: prior to June 1st, 2018), and was therefore a candidate for classification through an automated scoring system. Utilizing variant allele frequency, disease prevalence and penetrance estimates, and inheritance mode, an automated score was calculated to assess if this variant is too frequent to cause the disease. Based on the score and internal cut-off values, a variant classified as benign is not then subjected to further curation. The score for this variant resulted in a classification of benign for this disease.

Breakthrough Genomics
Classification: Benign. Review status: criteria provided, single submitter. Criteria: ACMG Guidelines, 2015. Collection method: not provided. Allele origin: germline. Inheritance: Autosomal dominant inheritance. Affected: yes.